The following is an entry in ClinVar:

ClinVar aggregate classification (germline): Conflicting classifications of pathogenicity. Review status: criteria provided, conflicting classifications (1 of 4 stars). 3 submissions from 3 submitters: Uncertain significance (2); Likely benign (1). Last evaluated 2025-11-26.

Conditions:
Cardiovascular phenotype. Identifiers: MedGen CN230736.
Primary dilated cardiomyopathy (DCM). Also called: Dilated Cardiomyopathy. Identifiers: Orphanet 217604, MedGen C0007193, MeSH D002311, MONDO:0005021, HP:0001644. Inheritance: Various modes of inheritance.

Allele frequency attached by ClinVar (database versions not stated): TOPMed 0.00009; gnomAD 0.00010 and 0.00011; ESP Exome Variant Server 0.00023.
gnomAD v4.1: 29 of 1,613,204 alleles (0.0018%); highest among the groups gnomAD compares: African/African-American, 0.028%; 1 homozygote.

Submissions (3):

Labcorp Genetics (formerly Invitae), Labcorp
Classification: Uncertain significance for Primary dilated cardiomyopathy. Last evaluated: 2025-11-26. Review status: criteria provided, single submitter. Criteria: Invitae Variant Classification Sherloc (09022015). Collection method: clinical testing. Allele origin: germline.
Comment: This sequence change replaces aspartic acid, which is acidic and polar, with asparagine, which is neutral and polar, at codon 393 of the TXNRD2 protein (p.Asp393Asn). This variant is present in population databases (rs369142382, gnomAD 0.04%). This variant has not been reported in the literature in individuals affected with TXNRD2-related conditions. ClinVar contains an entry for this variant (Variation ID: 512478). Invitae Evidence Modeling of protein sequence and biophysical properties (such as structural, functional, and spatial information, amino acid conservation, physicochemical variation, residue mobility, and thermodynamic stability) indicates that this missense variant is not expected to disrupt TXNRD2 protein function with a negative predictive value of 80%. In summary, the available evidence is currently insufficient to determine the role of this variant in disease. Therefore, it has been classified as a Variant of Uncertain Significance.

Ambry Genetics
Classification: Likely benign for Cardiovascular phenotype. Last evaluated: 2024-06-20. Review status: criteria provided, single submitter. Criteria: Ambry Variant Classification Scheme 2023. Collection method: clinical testing. Allele origin: germline.

GeneDx
Classification: Uncertain significance. Last evaluated: 2024-02-27. Review status: criteria provided, single submitter. Criteria: GeneDx Variant Classification Process June 2021. Collection method: clinical testing. Allele origin: germline. Affected: yes.
Comment: In silico analysis supports that this missense variant does not alter protein structure/function; Has not been previously published as pathogenic or benign to our knowledge

NM_006440.5(TXNRD2):c.1177G>A (p.Asp393Asn)

Gene: TXNRD2 (thioredoxin reductase 2; minus strand). Cytogenetic location: 22q11.21.
Variant type: single nucleotide variant.
Coding change: c.1177G>A on transcript NM_006440.5 (MANE Select); coding-DNA position 1177, G replaced by A.
Protein change: p.Asp393Asn; replaces aspartic acid 393 with asparagine.
Molecular consequence: missense variant. On other transcripts: non-coding transcript variant (1).
Genome position (GRCh38, 1-based): chr22:19,880,627, C>T on the plus strand (G>A on the coding strand, the complement: TXNRD2 is on the minus strand). VCF-style: chr22-19880627-C-T. GRCh37 (hg19) VCF-style: chr22-19868150-C-T.
Other names: c.1174G>A, p.Asp392Asn (NM_001352300.2); c.1087G>A, p.Asp363Asn (NM_001352301.2); c.889G>A, p.Asp297Asn (NM_001352302.2); short protein forms D393N, D297N, D392N, D363N.
Identifiers: ClinVar variation 512478 (VCV000512478.11), dbSNP rs369142382, ClinGen allele CA10103773.